The following is an entry in ClinVar:

ClinVar aggregate classification (germline): Uncertain significance (1 of 4 stars; one submission).

Allele frequency attached by ClinVar (database versions not stated): TOPMed below 0.00001; gnomAD 0.00001; gnomAD exomes 0.00001; ExAC 0.00002.
gnomAD v4.1: 4 of 1,613,520 alleles (0.00025%); highest among the groups gnomAD compares: Admixed American, 0.005%; no homozygotes.

Submission:

Labcorp Genetics (formerly Invitae), Labcorp
Classification: Uncertain significance. Last evaluated: 2021-12-27. Review status: criteria provided, single submitter. Criteria: Invitae Variant Classification Sherloc (09022015). Collection method: clinical testing. Allele origin: germline.
Comment: This variant has not been reported in the literature in individuals affected with THAP11-related conditions. Algorithms developed to predict the effect of missense changes on protein structure and function are either unavailable or do not agree on the potential impact of this missense change (SIFT: "Tolerated"; PolyPhen-2: "Possibly Damaging"; Align-GVGD: "Class C0"). In summary, the available evidence is currently insufficient to determine the role of this variant in disease. Therefore, it has been classified as a Variant of Uncertain Significance. This variant is present in population databases (rs772472172, gnomAD 0.009%). This sequence change replaces glycine, which is neutral and non-polar, with aspartic acid, which is acidic and polar, at codon 241 of the THAP11 protein (p.Gly241Asp).

NM_020457.3(THAP11):c.722G>A (p.Gly241Asp)

Genes: CENPT (centromere protein T; minus strand), THAP11 (THAP domain containing 11; plus strand). Cytogenetic location: 16q22.1.
Variant type: single nucleotide variant.
Coding change: c.722G>A on transcript NM_020457.3 (MANE Select); coding-DNA position 722, G replaced by A.
Protein change: p.Gly241Asp; replaces glycine 241 with aspartic acid.
Molecular consequence: missense variant. On other transcripts: intron variant (1).
Genome position (GRCh38, 1-based): chr16:67,843,276, G>A. VCF-style: chr16-67843276-G-A. GRCh37 (hg19) VCF-style: chr16-67877179-G-A.
Other names: c.-492+4125C>T (NM_025082.4); short protein forms G241D.
Identifiers: ClinVar variation 1952551 (VCV001952551.5), dbSNP rs772472172, ClinGen allele CA8118339.
Genomic context (GRCh38, chr16:67,843,276, plus strand): 5'-CCGAGTGCCCTATGGGCCCCCAGTTGGTGGTGGTAGGGGAAGAGGGCTTCCCTGATACTG[G>A]CTCCGACCATTCGTACTCCTTGTCGTCAGGCACCACGGAGGAGGAGCTCCTGCGCAAGCT-3'
Protein context (NP_065190.2, residues 231-251): VVGEEGFPDT[Gly241Asp]SDHSYSLSSG